The following is an entry in ClinVar:

ClinVar aggregate classification (germline): Conflicting classifications of pathogenicity. Review status: criteria provided, conflicting classifications (1 of 4 stars). 3 submissions from 3 submitters: Uncertain significance (1); Likely benign (2). Last evaluated 2025-11-18.

Conditions:
SLC9A1-related disorder. Also called: SLC9A1-related condition.

Allele frequency attached by ClinVar (database versions not stated): ExAC 0.00002; gnomAD exomes 0.00003; gnomAD 0.00005; TOPMed 0.00005; ESP Exome Variant Server 0.00008.
gnomAD v4.1: 49 of 1,609,508 alleles (0.003%); highest among the groups gnomAD compares: Admixed American, 0.005%; no homozygotes.

Submissions (3):

PreventionGenetics, part of Exact Sciences
Classification: Likely benign for SLC9A1-related condition. Last evaluated: 2025-11-18. Review status: criteria provided, single submitter. Criteria: ACMG Guidelines, 2015. Collection method: clinical testing. Allele origin: germline.
Comment: This variant is classified as likely benign based on ACMG/AMP sequence variant interpretation guidelines (Richards et al. 2015 PMID: 25741868, with internal and published modifications).

Labcorp Genetics (formerly Invitae), Labcorp
Classification: Likely benign. Last evaluated: 2022-10-03. Review status: criteria provided, single submitter. Criteria: Invitae Variant Classification Sherloc (09022015). Collection method: clinical testing. Allele origin: germline.

GeneDx
Classification: Uncertain significance. Last evaluated: 2019-05-01. Review status: criteria provided, single submitter. Criteria: GeneDx Variant Classification Process June 2021. Collection method: clinical testing. Allele origin: germline. Affected: yes.
Comment: Has not been previously published as pathogenic or benign to our knowledge; In silico analysis, which includes splice predictors and evolutionary conservation, suggests this variant may impact gene splicing. In the absence of RNA/functional studies, the actual effect of this sequence change is unknown.

NM_003047.5(SLC9A1):c.1695C>T (p.Gly565=)

Gene: SLC9A1 (solute carrier family 9 member A1; minus strand). Cytogenetic location: 1p36.11.
Variant type: single nucleotide variant.
Coding change: c.1695C>T on transcript NM_003047.5 (MANE Select); coding-DNA position 1695, C replaced by T.
Protein change: p.Gly565=; no amino-acid change (glycine 565 retained).
Molecular consequence: synonymous variant. On other transcripts: non-coding transcript variant (1).
Genome position (GRCh38, 1-based): chr1:27,102,510, G>A on the plus strand (C>T on the coding strand, the complement: SLC9A1 is on the minus strand). VCF-style: chr1-27102510-G-A. GRCh37 (hg19) VCF-style: chr1-27429001-G-A.
Identifiers: ClinVar variation 1305239 (VCV001305239.7), dbSNP rs144261466, ClinGen allele CA711013.